The following is an entry in ClinVar:

NM_032242.4(PLXNA1):c.34CTG[4] (p.Leu21del)

Gene: PLXNA1 (plexin A1; plus strand). Cytogenetic location: 3q21.3.
Variant type: Microsatellite.
Coding change: c.34CTG[4] on transcript NM_032242.4 (MANE Select); four copies in a row of the 3-base unit CTG starting at c.34; the reference has five copies in a row; one copy, 3 bases deleted.
Protein change: p.Leu21del; deletes leucine 21.
Molecular consequence: inframe deletion.
Genome position (GRCh38, 1-based): chr3:126,988,639-126,988,641, CTG deleted; deleting any 3 consecutive bases within chr3:126,988,627-126,988,641 gives the same sequence; the position shown is the placement nearest the transcript's 3' end. VCF-style (leftmost placement, unchanged base first): chr3-126988626-CCTG-C. GRCh37 (hg19) VCF-style: chr3-126707469-CCTG-C.
Other names: short protein forms L21del.
Identifiers: ClinVar variation 4980584 (VCV004980584.1).

ClinVar aggregate classification (germline): Uncertain significance (1 of 4 stars; one submission).

Conditions:
PLXNA1-related disorder. Also called: PLXNA1-related condition.

Submission:

PreventionGenetics, part of Exact Sciences
Classification: Uncertain significance for PLXNA1-related condition. Last evaluated: 2026-08-17. Review status: criteria provided, single submitter. Criteria: ACMG Guidelines, 2015. Collection method: clinical testing. Allele origin: germline.
Comment: The PLXNA1 c.46_48delCTG variant is predicted to result in an in-frame deletion (p.Leu21del). To our knowledge, this variant has not been reported in the literature. This variant removes one leucine residue from an eleven residue leucine track within exon 1. This variant is reported in 0.30% of alleles in individuals of Ashkenazi Jewish descent in gnomAD which is likely too frequent for a disease-causing variant. Although we suspect that this variant may be benign, at this time, the clinical significance of this variant is uncertain due to the absence of conclusive functional and genetic evidence.